The following is an entry in ClinVar:

NM_002241.5(KCNJ10):c.296T>C (p.Leu99Pro)

Gene: KCNJ10 (potassium inwardly rectifying channel subfamily J member 10; minus strand). Cytogenetic location: 1q23.2.
Variant type: single nucleotide variant.
Coding change: c.296T>C on transcript NM_002241.5 (MANE Select); coding-DNA position 296, T replaced by C.
Protein change: p.Leu99Pro; replaces leucine 99 with proline.
Molecular consequence: missense variant.
Genome position (GRCh38, 1-based): chr1:160,042,237, A>G on the plus strand (T>C on the coding strand, the complement: KCNJ10 is on the minus strand). VCF-style: chr1-160042237-A-G. GRCh37 (hg19) VCF-style: chr1-160012027-A-G.
Other names: short protein forms L99P.
Identifiers: ClinVar variation 293120 (VCV000293120.15), dbSNP rs540341763, ClinGen allele CA1193261.

ClinVar aggregate classification (germline): Conflicting classifications of pathogenicity. Review status: criteria provided, conflicting classifications (1 of 4 stars). 5 submissions from 4 submitters: Uncertain significance (4); Likely benign (1). Last evaluated 2024-11-11.

Conditions:
EAST syndrome (SESAMES). Also called: SEIZURES, SENSORINEURAL DEAFNESS, ATAXIA, IMPAIRED INTELLECTUAL DEVELOPMENT, AND ELECTROLYTE IMBALANCE. Identifiers: Orphanet 199343, MedGen C2748572, MONDO:0013005, OMIM 612780.
Autosomal recessive nonsyndromic hearing loss 4 (DFNB4). Also called: FOXI1-Related Pendred Syndrome; KCNJ10-Related Pendred Syndrome; DEAFNESS, AUTOSOMAL RECESSIVE 4, WITH ENLARGED VESTIBULAR AQUEDUCT, DIGENIC; NEUROSENSORY NONSYNDROMIC RECESSIVE DEAFNESS 4; Nonsyndromic enlarged vestibular aqueduct (NSEVA); Deafness, autosomal recessive 4, with enlarged vestibular aqueduct. Identifiers: Orphanet 90636, MedGen C3538946, MONDO:0010933, OMIM 600791.

Allele frequency attached by ClinVar (database versions not stated): gnomAD below 0.00001 and 0.00002; TOPMed below 0.00001; gnomAD exomes 0.00001 and 0.00002; ExAC 0.00002; 1000 Genomes Project 30x 0.00031; 1000 Genomes Project 0.00040.
gnomAD v4.1: 19 of 1,614,032 alleles (0.0012%); highest among the groups gnomAD compares: South Asian, 0.02%; 1 homozygote.

Submissions (5):

Labcorp Genetics (formerly Invitae), Labcorp
Classification: Likely benign for EAST syndrome. Last evaluated: 2024-11-11. Review status: criteria provided, single submitter. Criteria: Invitae Variant Classification Sherloc (09022015). Collection method: clinical testing. Allele origin: germline.

Fulgent Genetics
Classification: Uncertain significance for Autosomal recessive nonsyndromic hearing loss 4; EAST syndrome. Last evaluated: 2024-01-04. Review status: criteria provided, single submitter. Criteria: ACMG Guidelines, 2015. Collection method: clinical testing. Allele origin: germline.

Illumina Laboratory Services, Illumina
Classification: Uncertain significance for EAST syndrome. Last evaluated: 2018-01-12. Review status: criteria provided, single submitter. Criteria: ICSL Variant Classification Criteria 13 December 2019. Collection method: clinical testing. Allele origin: germline.

Illumina Laboratory Services, Illumina
Classification: Uncertain significance for Autosomal recessive nonsyndromic hearing loss 4. Last evaluated: 2018-01-12. Review status: criteria provided, single submitter. Criteria: ICSL Variant Classification Criteria 13 December 2019. Collection method: clinical testing. Allele origin: germline.

GeneDx
Classification: Uncertain significance. Last evaluated: 2017-08-17. Review status: criteria provided, single submitter. Criteria: GeneDx Variant Classification (06012015). Collection method: clinical testing. Allele origin: germline. Affected: yes.
Comment: A variant of uncertain significance has been identified in the KCNJ10 gene. The L99P variant has not been published as a pathogenic variant, nor has it been reported as a benign variant to our knowledge. The L99P variant is observed in 3/16284 (0.02%) alleles from individuals of South Asian background, including 1 homozygous individual (Lek et al., 2016; 1000 Genomes Consortium et al., 2015; Exome Variant Server). The L99P variant is a semi-conservative amino acid substitution, which may impact secondary protein structure as these residues differ in some properties. This substitution occurs at a position that is conserved in mammals. In silico analysis is inconsistent in its predictions as to whether or not the variant is damaging to the protein structure/function. Therefore, based on the currently available information, it is unclear whether this variant is a pathogenic variant or a rare benign variant.